The following is an entry in ClinVar:

ClinVar aggregate classification (germline): Likely benign. Review status: criteria provided, multiple submitters, no conflicts (2 of 4 stars). 2 submissions from 2 submitters: Likely benign (2). Last evaluated 2021-06-15.

Conditions:
Arrhythmogenic right ventricular dysplasia 10. Also called: Arrhythmogenic right ventricular dysplasia/cardiomyopathy, type 10; Arrhythmogenic Right Ventricular Dysplasia/Cardiomyopathy10; ARRHYTHMOGENIC RIGHT VENTRICULAR DYSPLASIA, FAMILIAL, 10. Identifiers: MedGen C1857777, MONDO:0012434, OMIM 610193.

Allele frequency attached by ClinVar (database versions not stated): gnomAD exomes below 0.00001.
gnomAD v4.1: 2 of 1,596,838 alleles (0.00013%); highest among the groups gnomAD compares: Middle Eastern, 0.017%; no homozygotes.

Submissions (2):

Labcorp Genetics (formerly Invitae), Labcorp
Classification: Likely benign for Arrhythmogenic right ventricular dysplasia 10. Last evaluated: 2021-06-15. Review status: criteria provided, single submitter. Criteria: Invitae Variant Classification Sherloc (09022015). Collection method: clinical testing. Allele origin: germline.

Laboratory for Molecular Medicine, Mass General Brigham Personalized Medicine
Classification: Likely benign. Last evaluated: 2014-04-17. Review status: criteria provided, single submitter. Criteria: LMM Criteria. Collection method: clinical testing. Allele origin: germline. Observed: 1 variant allele.
Comment: Ser439Ser in exon 10 of DSG2: This variant is not expected to have clinical sig nificance because it does not alter an amino acid residue and is not located wit hin the splice consensus sequence.

NM_001943.5(DSG2):c.1317T>C (p.Ser439=)

Gene: DSG2 (desmoglein 2; plus strand). Cytogenetic location: 18q12.1.
Variant type: single nucleotide variant.
Coding change: c.1317T>C on transcript NM_001943.5 (MANE Select); coding-DNA position 1317, T replaced by C.
Protein change: p.Ser439=; no amino-acid change (serine 439 retained).
Molecular consequence: synonymous variant.
Genome position (GRCh38, 1-based): chr18:31,535,306, T>C. VCF-style: chr18-31535306-T-C. GRCh37 (hg19) VCF-style: chr18-29115269-T-C.
Identifiers: ClinVar variation 179703 (VCV000179703.12), dbSNP rs727505064, ClinGen allele CA021345.